The following is an entry in ClinVar:

NM_004145.4(MYO9B):c.3838G>A (p.Gly1280Ser)

Gene: MYO9B (myosin IXB; plus strand). Cytogenetic location: 19p13.11.
Variant type: single nucleotide variant.
Coding change: c.3838G>A on transcript NM_004145.4 (MANE Select); coding-DNA position 3838, G replaced by A.
Protein change: p.Gly1280Ser; replaces glycine 1280 with serine.
Molecular consequence: missense variant.
Genome position (GRCh38, 1-based): chr19:17,195,265, G>A. VCF-style: chr19-17195265-G-A. GRCh37 (hg19) VCF-style: chr19-17306074-G-A.
Other names: c.3838G>A, p.Gly1280Ser (NM_001130065.2); short protein forms G1280S.
Identifiers: ClinVar variation 3042077 (VCV003042077.2), dbSNP rs112900956, ClinGen allele CA9287947.

ClinVar aggregate classification (germline): Benign (0 of 4 stars; one submission).

Conditions:
MYO9B-related disorder. Also called: MYO9B-related condition.

Allele frequency attached by ClinVar (database versions not stated): 1000 Genomes Project 30x 0.00375; 1000 Genomes Project 0.00379; TOPMed 0.00972; gnomAD 0.01035; ESP Exome Variant Server 0.01089; ExAC 0.01259; gnomAD exomes 0.01489.
gnomAD v4.1: 23,070 of 1,612,454 alleles (1.4%); highest among the groups gnomAD compares: Non-Finnish European, 1.8%; 218 homozygotes.

Submission:

PreventionGenetics, part of Exact Sciences
Classification: Benign for MYO9B-related condition. Last evaluated: 2019-06-21. Review status: no assertion criteria provided. Collection method: clinical testing. Allele origin: germline.
Comment: This variant is classified as benign based on ACMG/AMP sequence variant interpretation guidelines (Richards et al. 2015 PMID: 25741868, with internal and published modifications).